The following is an entry in ClinVar:

NM_001282531.3(ADNP):c.2716_2718del (p.Asp906del)

Gene: ADNP (activity dependent neuroprotector homeobox; minus strand). Cytogenetic location: 20q13.13.
Variant type: Deletion.
Coding change: c.2716_2718del on transcript NM_001282531.3 (MANE Select); coding-DNA positions 2716 to 2718, 3 bases deleted (GAT; older notation c.2716_2718delGAT).
Protein change: p.Asp906del; deletes aspartic acid 906.
Molecular consequence: inframe deletion.
Genome position (GRCh38, 1-based): chr20:50,891,996-50,891,998, ATC deleted on the plus strand (GAT on the coding strand, the reverse complement: ADNP is on the minus strand). VCF-style (leftmost placement, unchanged base first): chr20-50891995-TATC-T. GRCh37 (hg19) VCF-style: chr20-49508532-TATC-T.
Other names: c.2716_2718del, p.Asp906del (NM_001282532.2, NM_001347511.2, NM_015339.5 and 1 more transcripts); short protein forms D906del.
Identifiers: ClinVar variation 1306884 (VCV001306884.2), dbSNP rs2122739918, ClinGen allele CA2573054886.

ClinVar aggregate classification (germline): Uncertain significance (1 of 4 stars; one submission).

Submission:

GeneDx
Classification: Uncertain significance. Last evaluated: 2020-07-15. Review status: criteria provided, single submitter. Criteria: GeneDx Variant Classification Process June 2021. Collection method: clinical testing. Allele origin: germline. Affected: yes.
Comment: Not observed in large population cohorts (Lek et al., 2016); In-frame deletion of one amino acids in a non-repeat region; In silico analysis, which includes protein predictors and evolutionary conservation, supports that this variant does not alter protein structure/function; Has not been previously published as pathogenic or benign to our knowledge